The following is an entry in ClinVar:

ClinVar aggregate classification (germline): Pathogenic. Review status: criteria provided, multiple submitters, no conflicts (2 of 4 stars). 5 submissions from 5 submitters: Pathogenic (3). 2 of the submissions do not count toward it. Last evaluated 2023-05-12.

Conditions:
Glucocorticoid deficiency 1 (GCCD1). Also called: FAMILIAL GLUCOCORTICOID DEFICIENCY 1; Glucocorticoid deficiency, due to ACTH unresponsiveness; Adrenal unresponsiveness to acth. Identifiers: Orphanet 361, MedGen C4049650, MONDO:0024536, OMIM 202200.
Glucocorticoid Deficiency. Identifiers: MedGen C1955741.

Submissions (5):

Genomic Medicine Center of Excellence, King Faisal Specialist Hospital and Research Centre
Classification: Pathogenic for Glucocorticoid deficiency 1. Last evaluated: 2023-05-12. Review status: criteria provided, single submitter. Criteria: ACMG Guidelines, 2015. Collection method: clinical testing. Allele origin: germline.

Breakthrough Genomics
Classification: Pathogenic for Glucocorticoid deficiency 1. Last evaluated: 2022-03-10. Review status: criteria provided, single submitter. Criteria: ACMG Guidelines, 2015. Collection method: clinical testing. Allele origin: germline. Affected: yes.
Comment: This variant (also known as c.459_460insC; p.I154fsX248 in the literature) has been reported in patients with familial glucocorticoid deficiency in homozygous state [PMID: 21778684, 19170705].

Institute of Human Genetics Munich, TUM University Hospital
Classification: Pathogenic for Glucocorticoid deficiency 1. Last evaluated: 2017-06-27. Review status: criteria provided, single submitter. Criteria: Classification criteria August 2017. Collection method: clinical testing. Allele origin: germline. Inheritance: Autosomal recessive inheritance. Affected: yes. Observed: 1 homozygote.

Biochemical Molecular Genetic Laboratory, King Abdulaziz Medical City
Classification: Pathogenic for Glucocorticoid deficiency 1. Last evaluated: 2020-09-10. Review status: no assertion criteria provided. Collection method: clinical testing. Allele origin: germline. Affected: yes. Not counted in ClinVar's aggregate classification.

Clinical Molecular Genetics Laboratory, Johns Hopkins All Children's Hospital
Classification: Pathogenic for Glucocorticoid Deficiency. Last evaluated: 2015-03-06. Review status: no assertion criteria provided. Collection method: clinical testing. Allele origin: germline. Affected: yes. Not counted in ClinVar's aggregate classification.

NM_000529.2(MC2R):c.459dup (p.Ile154fs)

Gene: MC2R (melanocortin 2 receptor; minus strand). Cytogenetic location: 18p11.21.
Variant type: Duplication.
Coding change: c.459dup on transcript NM_000529.2 (MANE Select); coding-DNA position 459, one base duplicated (C; older notation c.459dupC).
Protein change: p.Ile154fs; shifts the reading frame from isoleucine 154.
Molecular consequence: frameshift variant.
Genome position (GRCh38, 1-based): chr18:13,885,060, G duplicated on the plus strand (C on the coding strand, the reverse complement: MC2R is on the minus strand). VCF-style (leftmost placement, unchanged base first): chr18-13885059-T-TG. GRCh37 (hg19) VCF-style: chr18-13885058-T-TG.
Other names: p.Ile154HisfsTer95; c.459dup, p.Ile154fs (NM_001291911.1); c.459dupC (NM_000529.2); short protein forms I154fs.
Identifiers: ClinVar variation 444065 (VCV000444065.11), dbSNP rs1555619430, ClinGen allele CA658653849.